The following is an entry in ClinVar:

ClinVar aggregate classification (germline): Uncertain significance. Review status: criteria provided, multiple submitters, no conflicts (2 of 4 stars). 2 submissions from 2 submitters: Uncertain significance (2). Last evaluated 2025-02-10.

Conditions:
DICER1-related tumor predisposition. Also called: DICER1-related pleuropulmonary blastoma cancer predisposition syndrome; DICER1 syndrome. Identifiers: Orphanet 284343, MedGen C3839822, MONDO:0100216.
Hereditary cancer-predisposing syndrome. Also called: Hereditary neoplastic syndrome; Tumor predisposition; Neoplastic Syndromes, Hereditary; Hereditary Cancer Syndrome. Identifiers: Orphanet 140162, MedGen C0027672, MeSH D009386, MONDO:0015356.

Submissions (2):

Labcorp Genetics (formerly Invitae), Labcorp
Classification: Uncertain significance for DICER1-related tumor predisposition. Last evaluated: 2025-02-10. Review status: criteria provided, single submitter. Criteria: Invitae Variant Classification Sherloc (09022015). Collection method: clinical testing. Allele origin: germline.
Comment: This sequence change replaces arginine, which is basic and polar, with leucine, which is neutral and non-polar, at codon 937 of the DICER1 protein (p.Arg937Leu). This variant is not present in population databases (gnomAD no frequency). This variant has not been reported in the literature in individuals affected with DICER1-related conditions. ClinVar contains an entry for this variant (Variation ID: 1479038). Invitae Evidence Modeling of protein sequence and biophysical properties (such as structural, functional, and spatial information, amino acid conservation, physicochemical variation, residue mobility, and thermodynamic stability) has been performed for this missense variant. However, the output from this modeling did not meet the statistical confidence thresholds required to predict the impact of this variant on DICER1 protein function. In summary, the available evidence is currently insufficient to determine the role of this variant in disease. Therefore, it has been classified as a Variant of Uncertain Significance.

Ambry Genetics
Classification: Uncertain significance for Hereditary cancer-predisposing syndrome. Last evaluated: 2023-11-27. Review status: criteria provided, single submitter. Criteria: Ambry Variant Classification Scheme 2023. Collection method: clinical testing. Allele origin: germline.
Comment: The p.R937L variant (also known as c.2810G>T), located in coding exon 17 of the DICER1 gene, results from a G to T substitution at nucleotide position 2810. The arginine at codon 937 is replaced by leucine, an amino acid with dissimilar properties. This amino acid position is highly conserved in available vertebrate species. In addition, the in silico prediction for this alteration is inconclusive. Since supporting evidence is limited at this time, the clinical significance of this alteration remains unclear.

NM_177438.3(DICER1):c.2810G>T (p.Arg937Leu)

Gene: DICER1 (dicer 1, ribonuclease III; minus strand). Cytogenetic location: 14q32.13.
Variant type: single nucleotide variant.
Coding change: c.2810G>T on transcript NM_177438.3 (MANE Select); coding-DNA position 2810, G replaced by T.
Protein change: p.Arg937Leu; replaces arginine 937 with leucine.
Molecular consequence: missense variant.
Genome position (GRCh38, 1-based): chr14:95,106,218, C>A on the plus strand (G>T on the coding strand, the complement: DICER1 is on the minus strand). VCF-style: chr14-95106218-C-A. GRCh37 (hg19) VCF-style: chr14-95572555-C-A.
Other names: c.2810G>T, p.Arg937Leu (NM_001195573.1, NM_001271282.3, NM_001291628.2 and 1 more transcripts); short protein forms R937L.
Identifiers: ClinVar variation 1479038 (VCV001479038.11), dbSNP rs1595374327, ClinGen allele CA390879299.